The following is an entry in ClinVar:

NM_000180.4(GUCY2D):c.1446C>A (p.Phe482Leu)

Gene: GUCY2D (guanylate cyclase 2D, retinal; plus strand). Cytogenetic location: 17p13.1.
Variant type: single nucleotide variant.
Coding change: c.1446C>A on transcript NM_000180.4 (MANE Select); coding-DNA position 1446, C replaced by A.
Protein change: p.Phe482Leu; replaces phenylalanine 482 with leucine.
Molecular consequence: missense variant.
Genome position (GRCh38, 1-based): chr17:8,007,127, C>A. VCF-style: chr17-8007127-C-A. GRCh37 (hg19) VCF-style: chr17-7910445-C-A.
Other names: c.1446C>A (NM_000180.3); short protein forms F482L.
Identifiers: ClinVar variation 4933497 (VCV004933497.2).
Genomic context (GRCh38, chr17:8,007,127, plus strand): 5'-GCCGGGCCTCGTCTTTCTTGGCTTCCTCCTGGTGGTTGGGATGGGGCTGGCTGGGGCCTT[C>A]CTGGCCCATTATGTGAGGTGAGTAGTGGAATGAGGTAAGTAGGAAGTGAGCTTGTGCCAG-3'
Protein context (NP_000171.1, residues 472-492): LVVGMGLAGA[Phe482Leu]LAHYVRHRLL

ClinVar aggregate classification (germline): Uncertain significance. Review status: criteria provided, multiple submitters, no conflicts (2 of 4 stars). 2 submissions from 2 submitters: Uncertain significance (2). Last evaluated 2026-06-20.

Conditions:
GUCY2D-related disorder. Also called: GUCY2D-related condition.

gnomAD v4.1: 32 of 1,612,574 alleles (0.002%); highest among the groups gnomAD compares: Middle Eastern, 0.017%; no homozygotes.

Submissions (2):

PreventionGenetics, part of Exact Sciences
Classification: Uncertain significance for GUCY2D-related condition. Last evaluated: 2026-06-20. Review status: criteria provided, single submitter. Criteria: ACMG Guidelines, 2015. Collection method: clinical testing. Allele origin: germline.
Comment: The GUCY2D c.1446C>A variant is predicted to result in the amino acid substitution p.Phe482Leu. To our knowledge, this variant has not been reported in the literature. This variant is reported in 0.0085% of alleles in individuals of Latino descent in gnomAD. At this time, the clinical significance of this variant is uncertain due to the absence of conclusive functional and genetic evidence.

Blueprint Genetics
Classification: Uncertain significance. Last evaluated: 2023-05-19. Review status: criteria provided, single submitter. Criteria: ACMG Guidelines, 2015. Collection method: clinical testing. Allele origin: germline.